The following is an entry in ClinVar:

ClinVar aggregate classification (germline): Uncertain significance (1 of 4 stars; one submission).

Conditions:
Familial cold autoinflammatory syndrome 3 (FCAS3). Also called: FAMILIAL ATYPICAL COLD URTICARIA; ANTIBODY DEFICIENCY AND IMMUNE DYSREGULATION, PLCG2-ASSOCIATED. Identifiers: Orphanet 300359, MedGen C3280914, MONDO:0013766, OMIM 614468.

Submission:

Labcorp Genetics (formerly Invitae), Labcorp
Classification: Uncertain significance for Familial cold autoinflammatory syndrome 3. Last evaluated: 2018-08-17. Review status: criteria provided, single submitter. Criteria: Invitae Variant Classification Sherloc (09022015). Collection method: clinical testing. Allele origin: germline.
Comment: This sequence change replaces isoleucine with serine at codon 169 of the PLCG2 protein (p.Ile169Ser). The isoleucine residue is moderately conserved and there is a large physicochemical difference between isoleucine and serine. This variant is not present in population databases (ExAC no frequency). This variant has not been reported in the literature in individuals with PLCG2-related disease. Algorithms developed to predict the effect of missense changes on protein structure and function are either unavailable or do not agree on the potential impact of this missense change (SIFT: "Deleterious"; PolyPhen-2: "Benign"; Align-GVGD: "Class C25"). In summary, the available evidence is currently insufficient to determine the role of this variant in disease. Therefore, it has been classified as a Variant of Uncertain Significance.

NM_002661.5(PLCG2):c.506T>G (p.Ile169Ser)

Gene: PLCG2 (phospholipase C gamma 2; plus strand). Cytogenetic location: 16q23.3.
Variant type: single nucleotide variant.
Coding change: c.506T>G on transcript NM_002661.5 (MANE Select); coding-DNA position 506, T replaced by G.
Protein change: p.Ile169Ser; replaces isoleucine 169 with serine.
Molecular consequence: missense variant.
Genome position (GRCh38, 1-based): chr16:81,869,240, T>G. VCF-style: chr16-81869240-T-G. GRCh37 (hg19) VCF-style: chr16-81902845-T-G.
Other names: short protein forms I169S.
Identifiers: ClinVar variation 644054 (VCV000644054.8), dbSNP rs1597364394, ClinGen allele CA396902981.